The following is an entry in ClinVar:

ClinVar aggregate classification (germline): Benign (1 of 4 stars; one submission).

Allele frequency attached by ClinVar (database versions not stated): gnomAD 0.08231 and 0.08318; TOPMed 0.09708; 1000 Genomes Project 0.11721; 1000 Genomes Project 30x 0.11930.
gnomAD v4.1: 12,603 of 152,294 alleles (8.3%); highest among the groups gnomAD compares: East Asian, 19%; 700 homozygotes.

Submission:

GeneDx
Classification: Benign. Last evaluated: 2018-06-14. Review status: criteria provided, single submitter. Criteria: GeneDx Variant Classification (06012015). Collection method: clinical testing. Allele origin: germline. Affected: yes.
Comment: This variant is considered likely benign or benign based on one or more of the following criteria: it is a conservative change, it occurs at a poorly conserved position in the protein, it is predicted to be benign by multiple in silico algorithms, and/or has population frequency not consistent with disease.

NM_001267550.2(TTN):c.14372-256T>C

Gene: TTN (titin; minus strand). Cytogenetic location: 2q31.2.
Variant type: single nucleotide variant.
Coding change: c.14372-256T>C on transcript NM_001267550.2 (MANE Select); 256 bases into the intron before coding-DNA position 14372, T replaced by C.
Molecular consequence: intron variant.
Genome position (GRCh38, 1-based): chr2:178,736,330, A>G on the plus strand (T>C on the coding strand, the complement: TTN is on the minus strand). VCF-style: chr2-178736330-A-G. GRCh37 (hg19) VCF-style: chr2-179601057-A-G.
Other names: c.13282+1752T>C (NM_003319.4); c.13858+1752T>C (NM_133437.4); c.13657+1752T>C (NM_133432.3); c.10640-256T>C (NM_133378.4); c.13421-256T>C (NM_001256850.1).
Identifiers: ClinVar variation 680823 (VCV000680823.1), dbSNP rs2627041, ClinGen allele CA11203799.
Genomic context (GRCh38, chr2:178,736,330, plus strand): 5'-GACATCACTTTACTTGTCTCTATCAAAGAAAAGACAAGCGTTCCTTTATTAAGTAACATT[A>G]CTAAAGATTTGTCCATTTTAGTGGCTGCTTGTTTAATTATTTGATAAGCTATTGAGCTGA-3'